The following is an entry in ClinVar:

NM_014271.4(IL1RAPL1):c.550-4A>G

Gene: IL1RAPL1 (interleukin 1 receptor accessory protein like 1; plus strand). Cytogenetic location: Xp21.2.
Variant type: single nucleotide variant.
Coding change: c.550-4A>G on transcript NM_014271.4 (MANE Select); 4 bases into the intron before coding-DNA position 550, A replaced by G.
Molecular consequence: intron variant.
Genome position (GRCh38, 1-based): chrX:29,399,151, A>G. VCF-style: chrX-29399151-A-G. GRCh37 (hg19) VCF-style: chrX-29417268-A-G.
Identifiers: ClinVar variation 913475 (VCV000913475.7), dbSNP rs368301683, ClinGen allele CA10375433.

ClinVar aggregate classification (germline): Benign. Review status: criteria provided, multiple submitters, no conflicts (2 of 4 stars). 2 submissions from 2 submitters: Benign (2). Last evaluated 2025-08-29.

Conditions:
Intellectual developmental disorder, X-linked 21. Also called: Intellectual disability, X-linked 21; MENTAL RETARDATION, X-LINKED 34; Mental retardation, X-linked 21/34. Identifiers: Orphanet 777, MedGen C5551510, MONDO:0010256, OMIM 300143.

Allele frequency attached by ClinVar (database versions not stated): gnomAD 0.00008; gnomAD exomes 0.00015 and 0.00021; ESP Exome Variant Server 0.00009; ExAC 0.00017; TOPMed 0.00013.
gnomAD v4.1: 231 of 1,192,302 alleles (0.019%); highest among the groups gnomAD compares: Non-Finnish European, 0.025%; no homozygotes.

Submissions (2):

Labcorp Genetics (formerly Invitae), Labcorp
Classification: Benign. Last evaluated: 2025-08-29. Review status: criteria provided, single submitter. Criteria: Invitae Variant Classification Sherloc (09022015). Collection method: clinical testing. Allele origin: germline.

Illumina Laboratory Services, Illumina
Classification: Benign for Intellectual developmental disorder, X-linked 21. Last evaluated: 2018-01-13. Review status: criteria provided, single submitter. Criteria: ICSL Variant Classification Criteria 13 December 2019. Collection method: clinical testing. Allele origin: germline.
Comment: This variant was observed in the ICSL laboratory as part of a predisposition screen in an ostensibly healthy population. It had not been previously curated by ICSL or reported in the Human Gene Mutation Database (HGMD: prior to June 1st, 2018), and was therefore a candidate for classification through an automated scoring system. Utilizing variant allele frequency, disease prevalence and penetrance estimates, and inheritance mode, an automated score was calculated to assess if this variant is too frequent to cause the disease. Based on the score and internal cut-off values, a variant classified as benign is not then subjected to further curation. The score for this variant resulted in a classification of benign for this disease.